The following is an entry in ClinVar:

ClinVar aggregate classification (germline): Pathogenic (1 of 4 stars; one submission).

Conditions:
Gorlin syndrome. Also called: Basal cell nevus syndrome; Nevoid Basal Cell Carcinoma Syndrome. Identifiers: Orphanet 377, MedGen C0004779, MONDO:0007187.

Submission:

Labcorp Genetics (formerly Invitae), Labcorp
Classification: Pathogenic for Gorlin syndrome. Last evaluated: 2022-04-12. Review status: criteria provided, single submitter. Criteria: Invitae Variant Classification Sherloc (09022015). Collection method: clinical testing. Allele origin: germline.
Comment: This variant has not been reported in the literature in individuals affected with PTCH1-related conditions. This variant is not present in population databases (gnomAD no frequency). This sequence change creates a premature translational stop signal (p.Ala412Serfs*21) in the PTCH1 gene. It is expected to result in an absent or disrupted protein product. Loss-of-function variants in PTCH1 are known to be pathogenic (PMID: 16301862, 16419085). For these reasons, this variant has been classified as Pathogenic.

Literature cited by the submitters: PubMed 16301862; PubMed 16419085.

NM_000264.5(PTCH1):c.1231_1232dup (p.Ala412fs)

Gene: PTCH1 (patched 1; minus strand). Cytogenetic location: 9q22.32.
Variant type: Microsatellite.
Coding change: c.1231_1232dup on transcript NM_000264.5 (MANE Select); coding-DNA positions 1231 to 1232, 2 bases duplicated (GT; older notation c.1231_1232dupGT).
Protein change: p.Ala412fs; shifts the reading frame from alanine 412.
Molecular consequence: frameshift variant. On other transcripts: non-coding transcript variant (1).
Genome position (GRCh38, 1-based): chr9:95,478,170-95,478,171, AC duplicated on the plus strand (GT on the coding strand, the reverse complement: PTCH1 is on the minus strand); duplicating any 2 consecutive bases within chr9:95,478,170-95,478,173 gives the same sequence; the c. name uses the placement nearest the transcript's 3' end. VCF-style (leftmost placement, unchanged base first): chr9-95478169-G-GAC. GRCh37 (hg19) VCF-style: chr9-98240451-G-GAC.
Other names: c.1033_1034dup, p.Ala346fs (NM_001083602.3); c.1228_1229dup, p.Ala411fs (NM_001083603.3); c.778_779dup, p.Ala261fs (NM_001083604.3, NM_001083605.3, NM_001083606.3 and 1 more transcripts); c.1231_1232dup, p.Ala412fs (NM_001354918.2); short protein forms A412fs, A346fs, A411fs, A261fs.
Identifiers: ClinVar variation 2125355 (VCV002125355.4), dbSNP rs2118338822, ClinGen allele CA2580616236.